The following is an entry in ClinVar:

ClinVar aggregate classification (germline): Uncertain significance (1 of 4 stars; one submission).

Conditions:
DICER1-related tumor predisposition. Also called: DICER1 syndrome; DICER1-related pleuropulmonary blastoma cancer predisposition syndrome. Identifiers: Orphanet 284343, MedGen C3839822, MONDO:0100216.

Submission:

Labcorp Genetics (formerly Invitae), Labcorp
Classification: Uncertain significance for DICER1-related tumor predisposition. Last evaluated: 2025-07-21. Review status: criteria provided, single submitter. Criteria: Invitae Variant Classification Sherloc (09022015). Collection method: clinical testing. Allele origin: germline.
Comment: This sequence change replaces isoleucine, which is neutral and non-polar, with valine, which is neutral and non-polar, at codon 355 of the DICER1 protein (p.Ile355Val). This variant is not present in population databases (gnomAD no frequency). This variant has not been reported in the literature in individuals affected with DICER1-related conditions. ClinVar contains an entry for this variant (Variation ID: 2973655). Invitae Evidence Modeling of protein sequence and biophysical properties (such as structural, functional, and spatial information, amino acid conservation, physicochemical variation, residue mobility, and thermodynamic stability) indicates that this missense variant is not expected to disrupt DICER1 protein function with a negative predictive value of 95%. In summary, the available evidence is currently insufficient to determine the role of this variant in disease. Therefore, it has been classified as a Variant of Uncertain Significance.

NM_177438.3(DICER1):c.1063A>G (p.Ile355Val)

Gene: DICER1 (dicer 1, ribonuclease III; minus strand). Cytogenetic location: 14q32.13.
Variant type: single nucleotide variant.
Coding change: c.1063A>G on transcript NM_177438.3 (MANE Select); coding-DNA position 1063, A replaced by G.
Protein change: p.Ile355Val; replaces isoleucine 355 with valine.
Molecular consequence: missense variant. On other transcripts: 5 prime UTR variant (1), non-coding transcript variant (6).
Genome position (GRCh38, 1-based): chr14:95,124,509, T>C on the plus strand (A>G on the coding strand, the complement: DICER1 is on the minus strand). VCF-style: chr14-95124509-T-C. GRCh37 (hg19) VCF-style: chr14-95590846-T-C.
Other names: c.1063A>G, p.Ile355Val (NM_001395693.1, NM_001395694.1, NM_001395695.1 and 15 more transcripts); c.658A>G, p.Ile220Val (NM_001395696.1, NM_001395698.1, NM_001395687.1 and 3 more transcripts); c.-506A>G (NM_001395697.1); c.781A>G, p.Ile261Val (NM_001395686.1); c.496A>G, p.Ile166Val (NM_001395691.1); short protein forms I166V, I355V, I220V, I261V.
Identifiers: ClinVar variation 2973655 (VCV002973655.3), dbSNP rs2543182513, ClinGen allele CA390887042.